The following is an entry in ClinVar:

NM_014244.5(ADAMTS2):c.2663A>G (p.Lys888Arg)

Gene: ADAMTS2 (ADAM metallopeptidase with thrombospondin type 1 motif 2; minus strand). Cytogenetic location: 5q35.3.
Variant type: single nucleotide variant.
Coding change: c.2663A>G on transcript NM_014244.5 (MANE Select); coding-DNA position 2663, A replaced by G.
Protein change: p.Lys888Arg; replaces lysine 888 with arginine.
Molecular consequence: missense variant.
Genome position (GRCh38, 1-based): chr5:179,126,085, T>C on the plus strand (A>G on the coding strand, the complement: ADAMTS2 is on the minus strand). VCF-style: chr5-179126085-T-C. GRCh37 (hg19) VCF-style: chr5-178553086-T-C.
Other names: p.Lys888Arg; short protein forms K888R.
Identifiers: ClinVar variation 3379626 (VCV003379626.1).

ClinVar aggregate classification (germline): Uncertain significance (1 of 4 stars; one submission).

Submission:

Mayo Clinic Laboratories, Mayo Clinic
Classification: Uncertain significance. Last evaluated: 2024-06-17. Review status: criteria provided, single submitter. Criteria: ACMG Guidelines, 2015. Collection method: clinical testing. Allele origin: germline. Observed: 1 variant allele.
Comment: BP4, PM2